The following is an entry in ClinVar:

ClinVar aggregate classification (germline): Uncertain significance (1 of 4 stars; one submission).

Conditions:
Charcot-Marie-Tooth disease axonal type 2O. Also called: CHARCOT-MARIE-TOOTH NEUROPATHY, AXONAL, TYPE 2O; CHARCOT-MARIE-TOOTH DISEASE, AXONAL, AUTOSOMAL DOMINANT, TYPE 2O; Charcot-Marie-Tooth Neuropathy Type 2O; Charcot-Marie-Tooth disease, axonal, type 20. Identifiers: Orphanet 284232, MedGen C3280220, MONDO:0013644, OMIM 614228.

Allele frequency attached by ClinVar (database versions not stated): gnomAD exomes below 0.00001.
gnomAD v4.1: 1 of 1,614,186 alleles (0.000062%); highest among the groups gnomAD compares: South Asian, 0.0011%; no homozygotes.

Submission:

Labcorp Genetics (formerly Invitae), Labcorp
Classification: Uncertain significance for Charcot-Marie-Tooth disease axonal type 2O. Last evaluated: 2023-10-29. Review status: criteria provided, single submitter. Criteria: Invitae Variant Classification Sherloc (09022015). Collection method: clinical testing. Allele origin: germline.
Comment: This sequence change replaces tyrosine, which is neutral and polar, with cysteine, which is neutral and slightly polar, at codon 1383 of the DYNC1H1 protein (p.Tyr1383Cys). This variant is not present in population databases (gnomAD no frequency). This variant has not been reported in the literature in individuals affected with DYNC1H1-related conditions. ClinVar contains an entry for this variant (Variation ID: 1411944). Advanced modeling of protein sequence and biophysical properties (such as structural, functional, and spatial information, amino acid conservation, physicochemical variation, residue mobility, and thermodynamic stability) performed at Invitae indicates that this missense variant is expected to disrupt DYNC1H1 protein function with a positive predictive value of 95%. In summary, the available evidence is currently insufficient to determine the role of this variant in disease. Therefore, it has been classified as a Variant of Uncertain Significance.

NM_001376.5(DYNC1H1):c.4148A>G (p.Tyr1383Cys)

Gene: DYNC1H1 (dynein cytoplasmic 1 heavy chain 1; plus strand). Cytogenetic location: 14q32.31.
Variant type: single nucleotide variant.
Coding change: c.4148A>G on transcript NM_001376.5 (MANE Select); coding-DNA position 4148, A replaced by G.
Protein change: p.Tyr1383Cys; replaces tyrosine 1383 with cysteine.
Molecular consequence: missense variant.
Genome position (GRCh38, 1-based): chr14:102,001,027, A>G. VCF-style: chr14-102001027-A-G. GRCh37 (hg19) VCF-style: chr14-102467364-A-G.
Other names: short protein forms Y1383C.
Identifiers: ClinVar variation 1411944 (VCV001411944.8), dbSNP rs2141285806, ClinGen allele CA391039785.